The following is an entry in ClinVar:

NM_201596.3(CACNB2):c.970G>T (p.Asp324Tyr)

Gene: CACNB2 (calcium voltage-gated channel auxiliary subunit beta 2; plus strand). Cytogenetic location: 10p12.31.
Variant type: single nucleotide variant.
Coding change: c.970G>T on transcript NM_201596.3 (MANE Select); coding-DNA position 970, G replaced by T.
Protein change: p.Asp324Tyr; replaces aspartic acid 324 with tyrosine.
Molecular consequence: missense variant.
Genome position (GRCh38, 1-based): chr10:18,527,613, G>T. VCF-style: chr10-18527613-G-T. GRCh37 (hg19) VCF-style: chr10-18816542-G-T.
Other names: c.805G>T, p.Asp269Tyr (NM_000724.4); c.772G>T, p.Asp258Tyr (NM_001167945.2); c.691G>T, p.Asp231Tyr (NM_001330060.2); c.712G>T, p.Asp238Tyr (NM_001410882.1); c.826G>T, p.Asp276Tyr (NM_201570.3); c.886G>T, p.Asp296Tyr (NM_201571.4); c.814G>T, p.Asp272Tyr (NM_201572.4); c.808G>T, p.Asp270Tyr (NM_201590.3); and 2 more; short protein forms D231Y, D238Y, D276Y, D300Y, D269Y, D286Y, D296Y, D270Y.
Identifiers: ClinVar variation 2562817 (VCV002562817.2), dbSNP rs2494684931, ClinGen allele CA376065205.

ClinVar aggregate classification (germline): Uncertain significance (1 of 4 stars; one submission).

Conditions:
Cardiovascular phenotype. Identifiers: MedGen CN230736.

Submission:

Ambry Genetics
Classification: Uncertain significance for Cardiovascular phenotype. Last evaluated: 2023-03-31. Review status: criteria provided, single submitter. Criteria: Ambry Variant Classification Scheme 2023. Collection method: clinical testing. Allele origin: germline.
Comment: The p.D270Y variant (also known as c.808G>T), located in coding exon 9 of the CACNB2 gene, results from a G to T substitution at nucleotide position 808. The aspartic acid at codon 270 is replaced by tyrosine, an amino acid with highly dissimilar properties. This amino acid position is conserved. In addition, this alteration is predicted to be deleterious by in silico analysis. Since supporting evidence is limited at this time, the clinical significance of this alteration remains unclear.